The following is an entry in ClinVar:

NM_002485.5(NBN):c.1089del (p.Thr362_Tyr363insTer)

Gene: NBN (nibrin; minus strand). Cytogenetic location: 8q21.3.
Variant type: Deletion.
Coding change: c.1089del on transcript NM_002485.5 (MANE Select); coding-DNA position 1089, one base deleted (C; older notation c.1089delC).
Protein change: p.Thr362_Tyr363insTer.
Molecular consequence: nonsense.
Genome position (GRCh38, 1-based): chr8:89,958,760, G deleted on the plus strand (C on the coding strand, the reverse complement: NBN is on the minus strand). VCF-style (leftmost placement, unchanged base first): chr8-89958759-CG-C. GRCh37 (hg19) VCF-style: chr8-90970987-CG-C.
Other names: c.843del, p.Thr280_Tyr281insTer (NM_001024688.3).
Identifiers: ClinVar variation 1788536 (VCV001788536.2), dbSNP rs2479648691, ClinGen allele CA2580079173.

ClinVar aggregate classification (germline): Pathogenic (1 of 4 stars; one submission).

Conditions:
Hereditary cancer-predisposing syndrome. Also called: Hereditary Cancer Syndrome; Hereditary neoplastic syndrome; Tumor predisposition; Neoplastic Syndromes, Hereditary. Identifiers: Orphanet 140162, MedGen C0027672, MeSH D009386, MONDO:0015356.

Submission:

Ambry Genetics
Classification: Pathogenic for Hereditary cancer-predisposing syndrome. Last evaluated: 2022-06-21. Review status: criteria provided, single submitter. Criteria: Ambry Variant Classification Scheme 2023. Collection method: clinical testing. Allele origin: germline.
Comment: The c.1089delC pathogenic mutation, located in coding exon 9 of the NBN gene, results from a deletion of one nucleotide at nucleotide position 1089, causing a translational frameshift with a predicted alternate stop codon (p.Y363*). This alteration is expected to result in loss of function by premature protein truncation or nonsense-mediated mRNA decay. As such, this alteration is interpreted as a disease-causing mutation.